The following is an entry in ClinVar:

ClinVar aggregate classification (germline): Uncertain significance (1 of 4 stars; one submission).

Conditions:
STAT3 gain of function. Identifiers: MedGen C4288261.
Hyper-IgE recurrent infection syndrome 1, autosomal dominant. Also called: JOB SYNDROME; HYPER-IgE SYNDROME 1, AUTOSOMAL DOMINANT, WITH RECURRENT INFECTIONS; STAT3 Hyper IgE Syndrome; Hyper-IgE recurrent infection syndrome 1; Job's Syndrome. Identifiers: Orphanet 2314, MedGen C2936739, MONDO:0007818, OMIM 147060.

Submission:

Labcorp Genetics (formerly Invitae), Labcorp
Classification: Uncertain significance for STAT3 gain of function; Hyper-IgE recurrent infection syndrome 1, autosomal dominant. Last evaluated: 2024-10-24. Review status: criteria provided, single submitter. Criteria: Invitae Variant Classification Sherloc (09022015). Collection method: clinical testing. Allele origin: germline.
Comment: This sequence change replaces asparagine, which is neutral and polar, with isoleucine, which is neutral and non-polar, at codon 400 of the STAT3 protein (p.Asn400Ile). This variant is not present in population databases (gnomAD no frequency). This variant has not been reported in the literature in individuals affected with STAT3-related conditions. ClinVar contains an entry for this variant (Variation ID: 653749). An algorithm developed to predict the effect of missense changes on protein structure and function (PolyPhen-2) suggests that this variant is likely to be disruptive. In summary, the available evidence is currently insufficient to determine the role of this variant in disease. Therefore, it has been classified as a Variant of Uncertain Significance.

NM_139276.3(STAT3):c.1199A>T (p.Asn400Ile)

Gene: STAT3 (signal transducer and activator of transcription 3; minus strand). Cytogenetic location: 17q21.2.
Variant type: single nucleotide variant.
Coding change: c.1199A>T on transcript NM_139276.3 (MANE Select); coding-DNA position 1199, A replaced by T.
Protein change: p.Asn400Ile; replaces asparagine 400 with isoleucine.
Molecular consequence: missense variant.
Genome position (GRCh38, 1-based): chr17:42,329,588, T>A on the plus strand (A>T on the coding strand, the complement: STAT3 is on the minus strand). VCF-style: chr17-42329588-T-A. GRCh37 (hg19) VCF-style: chr17-40481606-T-A.
Other names: c.1199A>T, p.Asn400Ile (NM_001384991.1, NM_001384993.1, NM_003150.4 and 12 more transcripts); c.1139A>T, p.Asn380Ile (NM_001384992.1); c.1121A>T, p.Asn374Ile (NM_001384985.1); c.1214A>T, p.Asn405Ile (NM_001384986.1, NM_001384990.1); c.1103A>T, p.Asn368Ile (NM_001384989.1); short protein forms N400I, N368I, N374I, N380I, N405I.
Identifiers: ClinVar variation 653749 (VCV000653749.9), dbSNP rs1598406231, ClinGen allele CA399588769.